The following is an entry in ClinVar:

NM_031935.3(HMCN1):c.13243G>A (p.Gly4415Ser)

Gene: HMCN1 (hemicentin 1; plus strand). Cytogenetic location: 1q31.1.
Variant type: single nucleotide variant.
Coding change: c.13243G>A on transcript NM_031935.3 (MANE Select); coding-DNA position 13243, G replaced by A.
Protein change: p.Gly4415Ser; replaces glycine 4415 with serine.
Molecular consequence: missense variant.
Genome position (GRCh38, 1-based): chr1:186,132,340, G>A. VCF-style: chr1-186132340-G-A. GRCh37 (hg19) VCF-style: chr1-186101472-G-A.
Other names: short protein forms G4415S.
Identifiers: ClinVar variation 1927343 (VCV001927343.5), dbSNP rs762435845, ClinGen allele CA1294607.

ClinVar aggregate classification (germline): Uncertain significance (1 of 4 stars; one submission).

Allele frequency attached by ClinVar (database versions not stated): TOPMed below 0.00001; ExAC 0.00001; gnomAD 0.00001; gnomAD exomes 0.00001.
gnomAD v4.1: 16 of 1,612,326 alleles (0.00099%); highest among the groups gnomAD compares: African/African-American, 0.0013%; no homozygotes.

Submission:

Labcorp Genetics (formerly Invitae), Labcorp
Classification: Uncertain significance. Last evaluated: 2024-02-21. Review status: criteria provided, single submitter. Criteria: Invitae Variant Classification Sherloc (09022015). Collection method: clinical testing. Allele origin: germline.
Comment: This sequence change replaces glycine, which is neutral and non-polar, with serine, which is neutral and polar, at codon 4415 of the HMCN1 protein (p.Gly4415Ser). This variant is present in population databases (rs762435845, gnomAD 0.002%). This variant has not been reported in the literature in individuals affected with HMCN1-related conditions. ClinVar contains an entry for this variant (Variation ID: 1927343). An algorithm developed to predict the effect of missense changes on protein structure and function (PolyPhen-2) suggests that this variant is likely to be disruptive. In summary, the available evidence is currently insufficient to determine the role of this variant in disease. Therefore, it has been classified as a Variant of Uncertain Significance.